The following is an entry in ClinVar:

ClinVar aggregate classification (germline): Uncertain significance. Review status: criteria provided, multiple submitters, no conflicts (2 of 4 stars). 2 submissions from 2 submitters: Uncertain significance (2). Last evaluated 2025-05-19.

Conditions:
Dyskeratosis congenita, autosomal recessive 6 (DKCB6). Identifiers: MedGen C4225356, MONDO:0014600, OMIM 616353.
Pulmonary fibrosis and/or bone marrow failure, Telomere-related, 4. Also called: PULMONARY FIBROSIS AND/OR BONE MARROW FAILURE SYNDROME, TELOMERE-RELATED, 4. Identifiers: Orphanet 2032, MedGen C4225347, MONDO:0014612, OMIM 616371.

Allele frequency attached by ClinVar (database versions not stated): gnomAD exomes 0.00001.
gnomAD v4.1: 10 of 1,592,304 alleles (0.00063%); highest among the groups gnomAD compares: Non-Finnish European, 0.00086%; no homozygotes.

Submissions (2):

Labcorp Genetics (formerly Invitae), Labcorp
Classification: Uncertain significance for Dyskeratosis congenita, autosomal recessive 6; Pulmonary fibrosis and/or bone marrow failure, Telomere-related, 4. Last evaluated: 2025-05-19. Review status: criteria provided, single submitter. Criteria: Invitae Variant Classification Sherloc (09022015). Collection method: clinical testing. Allele origin: germline.
Comment: This sequence change falls in intron 4 of the PARN gene. It does not directly change the encoded amino acid sequence of the PARN protein. It affects a nucleotide within the consensus splice site. This variant is not present in population databases (gnomAD no frequency). This variant has not been reported in the literature in individuals affected with PARN-related conditions. ClinVar contains an entry for this variant (Variation ID: 1987179). Variants that disrupt the consensus splice site are a relatively common cause of aberrant splicing (PMID: 17576681, 9536098). Algorithms developed to predict the effect of sequence changes on RNA splicing suggest that this variant may disrupt the consensus splice site. In summary, the available evidence is currently insufficient to determine the role of this variant in disease. Therefore, it has been classified as a Variant of Uncertain Significance.

Blueprint Genetics
Classification: Uncertain significance. Last evaluated: 2022-07-01. Review status: criteria provided, single submitter. Criteria: ACMG Guidelines, 2015. Collection method: clinical testing. Allele origin: germline.

Literature cited by the submitters: PubMed 17576681 (cited by Labcorp Genetics (formerly Invitae), Labcorp); PubMed 9536098 (cited by Labcorp Genetics (formerly Invitae), Labcorp).

NM_002582.4(PARN):c.245+3A>G

Gene: PARN (poly(A)-specific ribonuclease; minus strand). Cytogenetic location: 16p13.12.
Variant type: single nucleotide variant.
Coding change: c.245+3A>G on transcript NM_002582.4 (MANE Select); 3 bases into the intron after coding-DNA position 245, A replaced by G.
Molecular consequence: intron variant.
Genome position (GRCh38, 1-based): chr16:14,627,266, T>C on the plus strand (A>G on the coding strand, the complement: PARN is on the minus strand). VCF-style: chr16-14627266-T-C. GRCh37 (hg19) VCF-style: chr16-14721123-T-C.
Other names: c.62+3A>G (NM_001134477.3); c.159-130A>G (NM_001242992.2).
Identifiers: ClinVar variation 1987179 (VCV001987179.5), dbSNP rs1223817351, ClinGen allele CA621032701.
Genomic context (GRCh38, chr16:14,627,266, plus strand): 5'-AGACTTAGGAGGTGACATTGTGCCACAAAAACGGAATTCCCAACGTTTGTTAACACAACC[T>C]ACTTTGAATCTGTGTAGTCATACTTAAAAGTGCAAAGGCCAAACTGAAATAGCAAAAAGT-3'